The following is an entry in ClinVar:

ClinVar aggregate classification (germline): Uncertain significance (1 of 4 stars; one submission).

gnomAD v4.1: 124 of 1,611,668 alleles (0.0077%); highest among the groups gnomAD compares: Middle Eastern, 0.016%; no homozygotes.

Submission:

CeGaT Center for Human Genetics Tuebingen
Classification: Uncertain significance. Last evaluated: 2026-05-01. Review status: criteria provided, single submitter. Criteria: CeGaT Center For Human Genetics Tuebingen Variant Classification Criteria Version 2. Collection method: clinical testing. Allele origin: germline. Affected: yes. Observed: 1 variant allele.
Comment: TMX2: PM2, BP4

NM_015959.4(TMX2):c.425A>G (p.Asn142Ser)

Genes: TMX2 (thioredoxin related transmembrane protein 2; plus strand), TMX2-CTNND1 (TMX2-CTNND1 readthrough (NMD candidate); plus strand). Cytogenetic location: 11q12.1.
Variant type: single nucleotide variant.
Coding change: c.425A>G on transcript NM_015959.4 (MANE Select); coding-DNA position 425, A replaced by G.
Protein change: p.Asn142Ser; replaces asparagine 142 with serine.
Molecular consequence: missense variant. On other transcripts: non-coding transcript variant (1).
Genome position (GRCh38, 1-based): chr11:57,738,414, A>G. VCF-style: chr11-57738414-A-G. GRCh37 (hg19) VCF-style: chr11-57505886-A-G.
Other names: c.311A>G, p.Asn104Ser (NM_001144012.3); c.425A>G, p.Asn142Ser (NM_001347890.2, NM_001347898.2); c.341A>G, p.Asn114Ser (NM_001347891.2); c.218A>G, p.Asn73Ser (NM_001347892.2); c.143A>G, p.Asn48Ser (NM_001347893.2, NM_001347894.2, NM_001347895.2 and 1 more transcripts); short protein forms N104S, N114S, N142S, N48S, N73S.
Identifiers: ClinVar variation 4872699 (VCV004872699.2).
Genomic context (GRCh38, chr11:57,738,414, plus strand): 5'-TGTTCCTGATGACGTGCAAACCCCCCCTATATATGGGCCCTGAGTATATCAAGTACTTCA[A>G]TGATAAAACCATTGATGTGAGTGCTCTTTCCCCTTTCTGTTTCTTGGGTCCCTTGTGGGT-3'
Protein context (NP_057043.1, residues 132-152): YMGPEYIKYF[Asn142Ser]DKTIDEELER